The following is an entry in ClinVar:

NC_000021.8:g.(?_44293641)_(44317177_?)del

Genes: NDUFV3 (NADH:ubiquinone oxidoreductase subunit V3; plus strand), WDR4 (WD repeat domain 4; minus strand). Cytogenetic location: 21q22.3.
Variant type: Deletion.
Identifiers: ClinVar variation 3248208 (VCV003248208.1).

ClinVar aggregate classification (germline): Pathogenic (1 of 4 stars; one submission).

Submission:

Labcorp Genetics (formerly Invitae), Labcorp
Classification: Pathogenic. Last evaluated: 2023-06-04. Review status: criteria provided, single submitter. Criteria: Invitae Variant Classification Sherloc (09022015). Collection method: clinical testing. Allele origin: unknown.
Comment: For these reasons, this variant has been classified as Pathogenic. This variant has not been reported in the literature in individuals affected with WDR4-related conditions. This variant is a gross deletion of the genomic region encompassing exon(s) 1-3 of the WDR4 gene, which includes the initiator codon. This deletion extends beyond the assayed region for this gene and therefore may encompass additional genes. It is expected to result in an absent or disrupted protein product. Loss-of-function variants in WDR4 are known to be pathogenic (PMID: 29597095, 30079490).

Literature cited by the submitters: PubMed 29597095; PubMed 30079490.